The following is an entry in ClinVar:

ClinVar aggregate classification (germline): Uncertain significance (1 of 4 stars; one submission).

Conditions:
Maturity-onset diabetes of the young type 10. Identifiers: Orphanet 552, MedGen C3150617, MONDO:0013240, OMIM 613370.

Submission:

MVZ Medizinische Genetik Mainz
Classification: Uncertain significance for Maturity-onset diabetes of the young type 10. Last evaluated: 2026-09-09. Review status: criteria provided, single submitter. Criteria: UK Practice Guidelines For Variant Classification V4 01 2020. Collection method: clinical testing. Allele origin: germline. Inheritance: Autosomal dominant inheritance. Affected: yes. Observed: 1 variant allele.
Comment: ACMG Criteria: PM5,PP3_MOD,PM2_SUP

NM_000207.3(INS):c.93C>G (p.Cys31Trp)

Genes: INS (insulin; minus strand), INS-IGF2 (INS-IGF2 readthrough; minus strand). Cytogenetic location: 11p15.5.
Variant type: single nucleotide variant.
Coding change: c.93C>G on transcript NM_000207.3 (MANE Select); coding-DNA position 93, C replaced by G.
Protein change: p.Cys31Trp; replaces cysteine 31 with tryptophan.
Molecular consequence: missense variant. On other transcripts: non-coding transcript variant (1).
Genome position (GRCh38, 1-based): chr11:2,160,879, G>C on the plus strand (C>G on the coding strand, the complement: INS is on the minus strand). VCF-style: chr11-2160879-G-C. GRCh37 (hg19) VCF-style: chr11-2182109-G-C.
Other names: c.93C>G, p.Cys31Trp (NM_001185097.2, NM_001185098.2, NM_001291897.2 and 1 more transcripts); short protein forms C31W.
Identifiers: ClinVar variation 5010174 (VCV005010174.1).